The following is an entry in ClinVar:

ClinVar aggregate classification (germline): Uncertain significance (1 of 4 stars; one submission).

Submission:

Labcorp Genetics (formerly Invitae), Labcorp
Classification: Uncertain significance. Last evaluated: 2025-04-17. Review status: criteria provided, single submitter. Criteria: Invitae Variant Classification Sherloc (09022015). Collection method: clinical testing. Allele origin: germline.
Comment: This sequence change falls in intron 2 of the TMED7 gene. It does not directly change the encoded amino acid sequence of the TMED7 protein. It affects a nucleotide within the consensus splice site. This variant is not present in population databases (gnomAD no frequency). This variant has not been reported in the literature in individuals affected with TMED7-related conditions. Variants that disrupt the consensus splice site are a relatively common cause of aberrant splicing (PMID: 17576681, 9536098). Algorithms developed to predict the effect of sequence changes on RNA splicing suggest that this variant may disrupt the consensus splice site. In summary, the available evidence is currently insufficient to determine the role of this variant in disease. Therefore, it has been classified as a Variant of Uncertain Significance.

Literature cited by the submitters: PubMed 17576681; PubMed 9536098.

NM_181836.6(TMED7):c.438+1G>A

Genes: TMED7 (transmembrane p24 trafficking protein 7; minus strand), TMED7-TICAM2 (TMED7-TICAM2 readthrough; minus strand). Cytogenetic location: 5q22.3.
Variant type: single nucleotide variant.
Coding change: c.438+1G>A on transcript NM_181836.6 (MANE Select); the canonical splice donor site of the intron after coding-DNA position 438, G replaced by A.
Molecular consequence: splice donor variant.
Genome position (GRCh38, 1-based): chr5:115,620,434, C>T on the plus strand (G>A on the coding strand, the complement: TMED7 is on the minus strand). VCF-style: chr5-115620434-C-T. GRCh37 (hg19) VCF-style: chr5-114956131-C-T.
Other names: c.438+1G>A (NM_001164468.4, NM_001164469.4).
Identifiers: ClinVar variation 4717798 (VCV004717798.1).